The following is an entry in ClinVar:

ClinVar aggregate classification (germline): Uncertain significance (1 of 4 stars; one submission).

Allele frequency attached by ClinVar (database versions not stated): gnomAD exomes below 0.00001.
gnomAD v4.1: 1 of 1,614,196 alleles (0.000062%); highest among the groups gnomAD compares: Non-Finnish European, 0.000085%; no homozygotes.

Submission:

Labcorp Genetics (formerly Invitae), Labcorp
Classification: Uncertain significance. Last evaluated: 2022-04-07. Review status: criteria provided, single submitter. Criteria: Invitae Variant Classification Sherloc (09022015). Collection method: clinical testing. Allele origin: germline.
Comment: This sequence change replaces leucine, which is neutral and non-polar, with valine, which is neutral and non-polar, at codon 925 of the MCM3AP protein (p.Leu925Val). This variant is not present in population databases (gnomAD no frequency). This variant has not been reported in the literature in individuals affected with MCM3AP-related conditions. Algorithms developed to predict the effect of missense changes on protein structure and function are either unavailable or do not agree on the potential impact of this missense change (SIFT: "Deleterious"; PolyPhen-2: "Probably Damaging"; Align-GVGD: "Class C0"). In summary, the available evidence is currently insufficient to determine the role of this variant in disease. Therefore, it has been classified as a Variant of Uncertain Significance.

NM_003906.5(MCM3AP):c.2773C>G (p.Leu925Val)

Gene: MCM3AP (minichromosome maintenance complex component 3 associated protein; minus strand). Cytogenetic location: 21q22.3.
Variant type: single nucleotide variant.
Coding change: c.2773C>G on transcript NM_003906.5 (MANE Select); coding-DNA position 2773, C replaced by G.
Protein change: p.Leu925Val; replaces leucine 925 with valine.
Molecular consequence: missense variant.
Genome position (GRCh38, 1-based): chr21:46,266,998, G>C on the plus strand (C>G on the coding strand, the complement: MCM3AP is on the minus strand). VCF-style: chr21-46266998-G-C. GRCh37 (hg19) VCF-style: chr21-47686912-G-C.
Other names: short protein forms L925V.
Identifiers: ClinVar variation 1970813 (VCV001970813.3), dbSNP rs1770052134, ClinGen allele CA410563571.